The following is an entry in ClinVar:

ClinVar aggregate classification (germline): Uncertain significance. Review status: criteria provided, multiple submitters, no conflicts (2 of 4 stars). 4 submissions from 4 submitters: Uncertain significance (4). Last evaluated 2026-08-28.

Conditions:
SETD2-related disorder.
Luscan-Lumish syndrome. Identifiers: Orphanet 597738, MedGen C4085873, MONDO:0014791, OMIM 616831.

Allele frequency attached by ClinVar (database versions not stated): gnomAD exomes 0.00001; TOPMed 0.00001; gnomAD 0.00001.
gnomAD v4.1: 13 of 1,613,980 alleles (0.00081%); highest among the groups gnomAD compares: East Asian, 0.0045%; no homozygotes.

Submissions (4):

PreventionGenetics, part of Exact Sciences
Classification: Uncertain significance for SETD2-related condition. Last evaluated: 2026-08-28. Review status: criteria provided, single submitter. Criteria: ACMG Guidelines, 2015. Collection method: clinical testing. Allele origin: germline.
Comment: The SETD2 c.5899G>A variant is predicted to result in the amino acid substitution p.Gly1967Ser. To our knowledge, this variant has not been reported in the literature or in a large population database (gnomAD), indicating this variant is rare. At this time, the clinical significance of this variant is uncertain due to the absence of conclusive functional and genetic evidence.

Labcorp Genetics (formerly Invitae), Labcorp
Classification: Uncertain significance for Luscan-Lumish syndrome. Last evaluated: 2023-04-07. Review status: criteria provided, single submitter. Criteria: Invitae Variant Classification Sherloc (09022015). Collection method: clinical testing. Allele origin: germline.
Comment: In summary, the available evidence is currently insufficient to determine the role of this variant in disease. Therefore, it has been classified as a Variant of Uncertain Significance. Advanced modeling of protein sequence and biophysical properties (such as structural, functional, and spatial information, amino acid conservation, physicochemical variation, residue mobility, and thermodynamic stability) performed at Invitae indicates that this missense variant is not expected to disrupt SETD2 protein function. This sequence change replaces glycine, which is neutral and non-polar, with serine, which is neutral and polar, at codon 1967 of the SETD2 protein (p.Gly1967Ser). This variant is not present in population databases (gnomAD no frequency). This variant has not been reported in the literature in individuals affected with SETD2-related conditions. ClinVar contains an entry for this variant (Variation ID: 1311301).

Genome-Nilou Lab
Classification: Uncertain significance for Luscan-Lumish syndrome. Last evaluated: 2022-03-15. Review status: criteria provided, single submitter. Criteria: ACMG Guidelines, 2015. Collection method: clinical testing. Allele origin: germline. Affected: no.

GeneDx
Classification: Uncertain significance. Last evaluated: 2019-12-19. Review status: criteria provided, single submitter. Criteria: GeneDx Variant Classification Process June 2021. Collection method: clinical testing. Allele origin: germline. Affected: yes.
Comment: Not observed in large population cohorts (Lek et al., 2016); In silico analysis, which includes protein predictors and evolutionary conservation, supports that this variant does not alter protein structure/function; Has not been previously published as pathogenic or benign to our knowledge

NM_014159.7(SETD2):c.5899G>A (p.Gly1967Ser)

Gene: SETD2 (SET domain containing 2, histone lysine methyltransferase; minus strand). Cytogenetic location: 3p21.31.
Variant type: single nucleotide variant.
Coding change: c.5899G>A on transcript NM_014159.7 (MANE Select); coding-DNA position 5899, G replaced by A.
Protein change: p.Gly1967Ser; replaces glycine 1967 with serine.
Molecular consequence: missense variant. On other transcripts: non-coding transcript variant (1).
Genome position (GRCh38, 1-based): chr3:47,083,881, C>T on the plus strand (G>A on the coding strand, the complement: SETD2 is on the minus strand). VCF-style: chr3-47083881-C-T. GRCh37 (hg19) VCF-style: chr3-47125371-C-T.
Other names: c.5767G>A, p.Gly1923Ser (NM_001349370.3); short protein forms G1923S, G1967S.
Identifiers: ClinVar variation 1311301 (VCV001311301.13), dbSNP rs371395770, ClinGen allele CA73812733.
Genomic context (GRCh38, chr3:47,083,881, plus strand): 5'-CACCCTCCTCTTCATCTTGGGATGGTGTTTCTTCATTAATAGGTTCTTCTAGTTTTGTGC[C>T]GTTGCTCTCTTTGGGCTCTATTTCAGCGTCAGCTTCTGGTTCAGATGTAGGTAGCTTACT-3'
Protein context (NP_054878.5, residues 1957-1977): DAEIEPKESN[Gly1967Ser]TKLEEPINEE